The following is an entry in ClinVar:

ClinVar aggregate classification (germline): Uncertain significance (1 of 4 stars; one submission).

Conditions:
Inborn genetic diseases. Identifiers: MedGen C0950123, MeSH D030342.

Allele frequency attached by ClinVar (database versions not stated): gnomAD exomes below 0.00001.
gnomAD v4.1: 6 of 1,613,156 alleles (0.00037%); highest among the groups gnomAD compares: Non-Finnish European, 0.00051%; no homozygotes.

Submission:

Ambry Genetics
Classification: Uncertain significance for Inborn genetic diseases. Last evaluated: 2023-08-11. Review status: criteria provided, single submitter. Criteria: Ambry Variant Classification Scheme 2023. Collection method: clinical testing. Allele origin: germline.
Comment: The p.K1910T variant (also known as c.5729A>C), located in coding exon 39 of the LRRK2 gene, results from an A to C substitution at nucleotide position 5729. The lysine at codon 1910 is replaced by threonine, an amino acid with similar properties. This amino acid position is conserved. In addition, this alteration is predicted to be tolerated by in silico analysis. Since supporting evidence is limited at this time, the clinical significance of this alteration remains unclear.

NM_198578.4(LRRK2):c.5729A>C (p.Lys1910Thr)

Gene: LRRK2 (leucine rich repeat kinase 2; plus strand). Cytogenetic location: 12q12.
Variant type: single nucleotide variant.
Coding change: c.5729A>C on transcript NM_198578.4 (MANE Select); coding-DNA position 5729, A replaced by C.
Protein change: p.Lys1910Thr; replaces lysine 1910 with threonine.
Molecular consequence: missense variant.
Genome position (GRCh38, 1-based): chr12:40,328,432, A>C. VCF-style: chr12-40328432-A-C. GRCh37 (hg19) VCF-style: chr12-40722234-A-C.
Other names: short protein forms K1910T.
Identifiers: ClinVar variation 2587286 (VCV002587286.2), dbSNP rs2499907694, ClinGen allele CA384399701.